The following is an entry in ClinVar:

ClinVar aggregate classification (germline): Likely benign (1 of 4 stars; one submission).

Submission:

CeGaT Center for Human Genetics Tuebingen
Classification: Likely benign. Last evaluated: 2022-12-01. Review status: criteria provided, single submitter. Criteria: CeGaT Center For Human Genetics Tuebingen Variant Classification Criteria Version 2. Collection method: clinical testing. Allele origin: germline. Affected: yes. Observed: 1 variant allele.
Comment: GMPPB: PM2:Supporting, BP4, BP7

NM_021971.4(GMPPB):c.288A>T (p.Leu96=)

Gene: GMPPB (GDP-mannose pyrophosphorylase B; minus strand). Cytogenetic location: 3p21.31.
Variant type: single nucleotide variant.
Coding change: c.288A>T on transcript NM_021971.4 (MANE Select); coding-DNA position 288, A replaced by T.
Protein change: p.Leu96=; no amino-acid change (leucine 96 retained).
Molecular consequence: synonymous variant.
Genome position (GRCh38, 1-based): chr3:49,723,086, T>A on the plus strand (A>T on the coding strand, the complement: GMPPB is on the minus strand). VCF-style: chr3-49723086-T-A. GRCh37 (hg19) VCF-style: chr3-49760519-T-A.
Other names: c.288A>T, p.Leu96= (NM_013334.4).
Identifiers: ClinVar variation 2653847 (VCV002653847.24), dbSNP rs1218073840, ClinGen allele CA433660783.